The following is an entry in ClinVar:

ClinVar aggregate classification (germline): Conflicting classifications of pathogenicity. Review status: criteria provided, conflicting classifications (1 of 4 stars). 2 submissions from 2 submitters: Uncertain significance (1); Likely benign (1). Last evaluated 2025-04-09.

Conditions:
Mitochondrial DNA depletion syndrome 13. Also called: FBXL4-Related Encephalomyopathic Mitochondrial DNA Depletion Syndrome; Mitochondrial DNA depletion syndrome 13 (encephalomyopathic type). Identifiers: Orphanet 369897, MedGen C3809592, MONDO:0014198, OMIM 615471.

Allele frequency attached by ClinVar (database versions not stated): gnomAD exomes 0.00006 and 0.00002; ExAC 0.00007; ESP Exome Variant Server 0.00015; gnomAD 0.00020 and 0.00021; TOPMed 0.00023; 1000 Genomes Project 0.00080; 1000 Genomes Project 30x 0.00094.
gnomAD v4.1: 59 of 1,609,790 alleles (0.0037%); highest among the groups gnomAD compares: African/African-American, 0.067%; 1 homozygote.

Submissions (2):

Labcorp Genetics (formerly Invitae), Labcorp
Classification: Likely benign. Last evaluated: 2025-04-09. Review status: criteria provided, single submitter. Criteria: Invitae Variant Classification Sherloc (09022015). Collection method: clinical testing. Allele origin: germline.

Wong Mito Lab, Molecular and Human Genetics, Baylor College of Medicine
Classification: Uncertain significance for Mitochondrial DNA depletion syndrome 13. Last evaluated: 2017-08-10. Review status: criteria provided, single submitter. Criteria: ACMG Guidelines, 2015. Collection method: reference population. Allele origin: germline.
Comment: The NM_012160.4:c.1317+19T>G (NP_036292.2:p.=) [GRCH38: NC_000006.12:g.98899249A>C] variant in FBXL4 gene is interpretated to be a Uncertain Significance - Conflicting Evidence based on ACMG guidelines (PMID: 25741868). This variant meets one or more of the following evidence codes reported in the ACMG-guideline. PM2:This variant is absent in key population databases. BP4:Computational evidence/predictors indicate no impact on the FBXL4 structure, function, or protein-protein interaction. BP5:The variant is found in a case with alternate cuase. Based on this evidence code ClinGen Pathogenicity Calculator (PMID:28081714) suggested that the variant is Uncertain Significance - Conflicting Evidence.

NM_001278716.2(FBXL4):c.1317+19T>G

Gene: FBXL4 (F-box and leucine rich repeat protein 4; minus strand). Cytogenetic location: 6q16.1.
Variant type: single nucleotide variant.
Coding change: c.1317+19T>G on transcript NM_001278716.2 (MANE Select); 19 bases into the intron after coding-DNA position 1317, T replaced by G.
Molecular consequence: intron variant. On other transcripts: non-coding transcript variant (1).
Genome position (GRCh38, 1-based): chr6:98,899,249, A>C on the plus strand (T>G on the coding strand, the complement: FBXL4 is on the minus strand). VCF-style: chr6-98899249-A-C. GRCh37 (hg19) VCF-style: chr6-99347125-A-C.
Other names: c.1317+19T>G (NM_012160.5).
Identifiers: ClinVar variation 437730 (VCV000437730.9), dbSNP rs201615847, ClinGen allele CA3933484.